The following is an entry in ClinVar:

NM_018105.3(THAP1):c.85C>G (p.Arg29Gly)

Gene: THAP1 (THAP domain containing 1; minus strand). Cytogenetic location: 8p11.21.
Variant type: single nucleotide variant.
Coding change: c.85C>G on transcript NM_018105.3 (MANE Select); coding-DNA position 85, C replaced by G.
Protein change: p.Arg29Gly; replaces arginine 29 with glycine.
Molecular consequence: missense variant. On other transcripts: intron variant (1).
Genome position (GRCh38, 1-based): chr8:42,839,368, G>C on the plus strand (C>G on the coding strand, the complement: THAP1 is on the minus strand). VCF-style: chr8-42839368-G-C. GRCh37 (hg19) VCF-style: chr8-42694511-G-C.
Other names: c.72-1032C>G (NM_199003.2); short protein forms R29G.
Identifiers: ClinVar variation 3391238 (VCV003391238.1).

ClinVar aggregate classification (germline): Likely pathogenic (1 of 4 stars; one submission).

Conditions:
Torsion dystonia 6 (DYT6). Also called: DYT-THAP1. Identifiers: Orphanet 98806, MedGen C1414216, MONDO:0011264, OMIM 602629.

Submission:

Neuberg Centre For Genomic Medicine, NCGM
Classification: Likely pathogenic for Torsion dystonia 6. Last evaluated: 2023-06-22. Review status: criteria provided, single submitter. Criteria: ACMG Guidelines, 2015. Collection method: clinical testing. Allele origin: germline. Inheritance: Autosomal dominant inheritance. Affected: yes.
Comment: The missense variant c.85C>Gp.Arg29Gly in THAP1 gene has not been reported previously as a pathogenic variant nor as a benign variant, to our knowledge. The oberved variant is absent in gnomAD exomes database. This variant has not been submitted to the ClinVar database. Multiple lines of computational evidence Polyphen - probably damaging, SIFT - damaging and MutationTaster - disease causing predict a damaging effect on protein structure and function for this variant. The reference amino acid change p.Arg29Gly in THAP1 is predicted as conserved by GERP++ and PhyloP across 100 vertebrates. The amino acid Arg at position 29 is changed to a Gly changing protein sequence and it might alter its composition and physico-chemical properties. The observed variant is very significant and is located in the mutational hotspot where multiple another missense variant is reported in literature Oterdoom et. al., 2018; Barad et. al., 2021. Hence, for this reason, this variant has been classified as Likely Pathogenic.